The following is an entry in ClinVar:

ClinVar aggregate classification (germline): Pathogenic (1 of 4 stars; one submission).

Conditions:
Cardiovascular phenotype. Identifiers: MedGen CN230736.

Submission:

Ambry Genetics
Classification: Pathogenic for Cardiovascular phenotype. Last evaluated: 2016-09-29. Review status: criteria provided, single submitter. Criteria: Ambry Variant Classification Scheme 2023. Collection method: clinical testing. Allele origin: germline.
Comment: The c.994_995insGACTTCA pathogenic mutation, located in coding exon 6 of the ACVRL1 gene, results from an insertion of 7 nucleotides at position 994, causing a translational frameshift with a predicted alternate stop codon (p.K332Rfs*62). This alteration is expected to result in loss of function by premature protein truncation or nonsense-mediated mRNA decay. As such, this alteration is interpreted as a disease-causing mutation.

NM_000020.3(ACVRL1):c.988_994dup (p.Lys332fs)

Gene: ACVRL1 (activin A receptor like type 1; plus strand). Cytogenetic location: 12q13.13.
Variant type: Duplication.
Coding change: c.988_994dup on transcript NM_000020.3 (MANE Select); coding-DNA positions 988 to 994, 7 bases duplicated (GACTTCA; older notation c.988_994dupGACTTCA).
Protein change: p.Lys332fs; shifts the reading frame from lysine 332.
Molecular consequence: frameshift variant.
Genome position (GRCh38, 1-based): chr12:51,915,440-51,915,446, GACTTCA duplicated. VCF-style (leftmost placement, unchanged base first): chr12-51915439-C-CGACTTCA. GRCh37 (hg19) VCF-style: chr12-52309223-C-CGACTTCA.
Other names: c.988_994dup, p.Lys332fs (NM_001077401.2); c.988_994dup, p.Lys332Argfs (NM_001406487.1, NM_001406488.1, NM_001406489.1); c.676_682dup, p.Lys228Argfs (NM_001406490.1, NM_001406491.1, NM_001406492.1 and 2 more transcripts); c.424_430dup, p.Lys144Argfs (NM_001406495.1); c.994_995insGACTTCA (NM_000020.2); short protein forms K332fs.
Identifiers: ClinVar variation 1768683 (VCV001768683.2), dbSNP rs2540164787, ClinGen allele CA2580086487.